The following is an entry in ClinVar:

NM_031475.3(ESPN):c.290T>A (p.Val97Glu)

Gene: ESPN (espin; plus strand). Cytogenetic location: 1p36.31.
Variant type: single nucleotide variant.
Coding change: c.290T>A on transcript NM_031475.3 (MANE Select); coding-DNA position 290, T replaced by A.
Protein change: p.Val97Glu; replaces valine 97 with glutamic acid.
Molecular consequence: missense variant.
Genome position (GRCh38, 1-based): chr1:6,425,245, T>A. VCF-style: chr1-6425245-T-A. GRCh37 (hg19) VCF-style: chr1-6485305-T-A.
Other names: c.290T>A, p.Val97Glu (NM_001367473.1, NM_001367474.1); short protein forms V97E.
Identifiers: ClinVar variation 683327 (VCV000683327.37), dbSNP rs199562318, ClinGen allele CA559838.
Genomic context (GRCh38, chr1:6,425,245, plus strand): 5'-CCTCCGCCACCGGCCACCTCGCCTGCCTGCAGTGGCTGCTGTCGCAGGGCGGCTGCAGAG[T>A]GCAGGTGGGTCCGCGCGGTTCGCCAGGGGCACTGAGGCTTCCTCCTCAGGACAGAGTCCT-3'
Protein context (NP_113663.2, residues 87-107): QWLLSQGGCR[Val97Glu]QDKDNSGATV

ClinVar aggregate classification (germline): Benign/Likely benign. Review status: criteria provided, multiple submitters, no conflicts (2 of 4 stars). 7 submissions from 7 submitters: Benign (1); Likely benign (6). Last evaluated 2026-08-01.

Conditions:
ESPN-related disorder. Also called: ESPN-related condition.

Allele frequency attached by ClinVar (database versions not stated): 1000 Genomes Project 0.00040; 1000 Genomes Project 30x 0.00062; ESP Exome Variant Server 0.00126; gnomAD exomes 0.00135; TOPMed 0.00139; gnomAD 0.00141 and 0.00143; ExAC 0.00337.
gnomAD v4.1: 2,657 of 1,566,912 alleles (0.17%); highest among the groups gnomAD compares: Middle Eastern, 1%; 10 homozygotes.

Submissions (7):

CeGaT Center for Human Genetics Tuebingen
Classification: Likely benign. Last evaluated: 2026-08-01. Review status: criteria provided, single submitter. Criteria: CeGaT Center For Human Genetics Tuebingen Variant Classification Criteria Version 2. Collection method: clinical testing. Allele origin: germline. Affected: yes. Observed: 4 variant alleles.
Comment: ESPN: BS2

Labcorp Genetics (formerly Invitae), Labcorp
Classification: Likely benign. Last evaluated: 2025-12-15. Review status: criteria provided, single submitter. Criteria: Invitae Variant Classification Sherloc (09022015). Collection method: clinical testing. Allele origin: germline.

Genomic Medicine Center of Excellence, King Faisal Specialist Hospital and Research Centre
Classification: Likely benign. Last evaluated: 2025-08-18. Review status: criteria provided, single submitter. Criteria: ACMG Guidelines, 2015. Collection method: clinical testing. Allele origin: germline.

PreventionGenetics, part of Exact Sciences
Classification: Likely benign for ESPN-related condition. Last evaluated: 2025-07-30. Review status: criteria provided, single submitter. Criteria: ACMG Guidelines, 2015. Collection method: clinical testing. Allele origin: germline.
Comment: This variant is classified as likely benign based on ACMG/AMP sequence variant interpretation guidelines (Richards et al. 2015 PMID: 25741868, with internal and published modifications).

Blueprint Genetics
Classification: Likely benign. Last evaluated: 2024-11-25. Review status: criteria provided, single submitter. Criteria: ACMG Guidelines, 2015. Collection method: clinical testing. Allele origin: germline.

GeneDx
Classification: Benign. Last evaluated: 2020-10-27. Review status: criteria provided, single submitter. Criteria: GeneDx Variant Classification Process June 2021. Collection method: clinical testing. Allele origin: germline. Affected: yes.

Breakthrough Genomics
Classification: Likely benign. Review status: criteria provided, single submitter. Criteria: ACMG Guidelines, 2015. Collection method: not provided. Allele origin: germline. Inheritance: Autosomal recessive inheritance. Affected: yes.